The following is an entry in ClinVar:

NM_001761.3(CCNF):c.1773G>A (p.Ala591=)

Gene: CCNF (cyclin F; plus strand). Cytogenetic location: 16p13.3.
Variant type: single nucleotide variant.
Coding change: c.1773G>A on transcript NM_001761.3 (MANE Select); coding-DNA position 1773, G replaced by A.
Protein change: p.Ala591=; no amino-acid change (alanine 591 retained).
Molecular consequence: synonymous variant.
Genome position (GRCh38, 1-based): chr16:2,455,452, G>A. VCF-style: chr16-2455452-G-A. GRCh37 (hg19) VCF-style: chr16-2505453-G-A.
Other names: p.Ala591=; c.849G>A, p.Ala283= (NM_001323538.2).
Identifiers: ClinVar variation 717033 (VCV000717033.18), dbSNP rs118173479, ClinGen allele CA7842731.

ClinVar aggregate classification (germline): Benign/Likely benign. Review status: criteria provided, multiple submitters, no conflicts (2 of 4 stars). 4 submissions from 4 submitters: Benign (3); Likely benign (1). Last evaluated 2024-12-04.

Allele frequency attached by ClinVar (database versions not stated): 1000 Genomes Project 30x 0.00078; 1000 Genomes Project 0.00080; TOPMed 0.00088; gnomAD 0.00098; gnomAD exomes 0.00107 and 0.00117; ExAC 0.00118; ESP Exome Variant Server 0.00123.
gnomAD v4.1: 1,850 of 1,600,136 alleles (0.12%); highest among the groups gnomAD compares: Middle Eastern, 0.4%; 5 homozygotes.

Submissions (4):

Mayo Clinic Laboratories, Mayo Clinic
Classification: Benign. Last evaluated: 2024-12-04. Review status: criteria provided, single submitter. Criteria: ACMG Guidelines, 2015. Collection method: clinical testing. Allele origin: germline. Observed: 4 variant alleles.
Comment: BS1, BS2, BP4, BP7

CeGaT Center for Human Genetics Tuebingen
Classification: Likely benign. Last evaluated: 2024-09-01. Review status: criteria provided, single submitter. Criteria: CeGaT Center For Human Genetics Tuebingen Variant Classification Criteria Version 2. Collection method: clinical testing. Allele origin: germline. Affected: yes. Observed: 1 variant allele.
Comment: CCNF: BP4, BP7

Labcorp Genetics (formerly Invitae), Labcorp
Classification: Benign. Last evaluated: 2017-10-25. Review status: criteria provided, single submitter. Criteria: Invitae Variant Classification Sherloc (09022015). Collection method: clinical testing. Allele origin: germline.

Breakthrough Genomics
Classification: Benign. Review status: criteria provided, single submitter. Criteria: ACMG Guidelines, 2015. Collection method: not provided. Allele origin: germline. Inheritance: Autosomal dominant inheritance. Affected: yes.